The following is an entry in ClinVar:

NM_006885.4(ZFHX3):c.7691A>G (p.Gln2564Arg)

Genes: ZFHX3 (zinc finger homeobox 3; minus strand), ZFHX3-AS1 (ZFHX3 antisense RNA 1; plus strand). Cytogenetic location: 16q22.2.
Variant type: single nucleotide variant.
Coding change: c.7691A>G on transcript NM_006885.4 (MANE Select); coding-DNA position 7691, A replaced by G.
Protein change: p.Gln2564Arg; replaces glutamine 2564 with arginine.
Molecular consequence: missense variant.
Genome position (GRCh38, 1-based): chr16:72,794,991, T>C on the plus strand (A>G on the coding strand, the complement: ZFHX3 is on the minus strand). VCF-style: chr16-72794991-T-C. GRCh37 (hg19) VCF-style: chr16-72828890-T-C.
Other names: c.4949A>G, p.Gln1650Arg (NM_001164766.2); c.7691A>G, p.Gln2564Arg (NM_001386735.1); short protein forms Q1650R, Q2564R.
Identifiers: ClinVar variation 2646824 (VCV002646824.24), dbSNP rs141564201, ClinGen allele CA8163183.

ClinVar aggregate classification (germline): Benign (1 of 4 stars; one submission).

Allele frequency attached by ClinVar (database versions not stated): 1000 Genomes Project 30x 0.00031; 1000 Genomes Project 0.00040; ESP Exome Variant Server 0.00085.
gnomAD v4.1: 1,375 of 1,614,002 alleles (0.085%); highest among the groups gnomAD compares: Admixed American, 0.14%; 2 homozygotes.

Submission:

CeGaT Center for Human Genetics Tuebingen
Classification: Benign. Last evaluated: 2026-09-01. Review status: criteria provided, single submitter. Criteria: CeGaT Center For Human Genetics Tuebingen Variant Classification Criteria Version 2. Collection method: clinical testing. Allele origin: germline. Affected: yes. Observed: 3 variant alleles.
Comment: ZFHX3: BS1, BS2